The following is an entry in ClinVar:

NM_021729.6(VPS11):c.989T>C (p.Val330Ala)

Gene: VPS11 (VPS11 core subunit of CORVET and HOPS complexes; plus strand). Cytogenetic location: 11q23.3.
Variant type: single nucleotide variant.
Coding change: c.989T>C on transcript NM_021729.6 (MANE Select); coding-DNA position 989, T replaced by C.
Protein change: p.Val330Ala; replaces valine 330 with alanine.
Molecular consequence: missense variant. On other transcripts: non-coding transcript variant (7).
Genome position (GRCh38, 1-based): chr11:119,073,302, T>C. VCF-style: chr11-119073302-T-C. GRCh37 (hg19) VCF-style: chr11-118944012-T-C.
Other names: c.959T>C, p.Val320Ala (NM_001290185.2); c.1001T>C, p.Val334Ala (NM_001378218.1); c.989T>C, p.Val330Ala (NM_001378219.1, NM_001378220.1); c.971T>C, p.Val324Ala (NM_001378221.1); short protein forms V330A, V334A, V320A, V324A.
Identifiers: ClinVar variation 1367755 (VCV001367755.5), dbSNP rs782407551, ClinGen allele CA6313315.

ClinVar aggregate classification (germline): Uncertain significance (1 of 4 stars; one submission).

Allele frequency attached by ClinVar (database versions not stated): ExAC 0.00001; gnomAD exomes 0.00001; TOPMed 0.00001; gnomAD 0.00002.
gnomAD v4.1: 7 of 1,613,922 alleles (0.00043%); highest among the groups gnomAD compares: Non-Finnish European, 0.00059%; no homozygotes.

Submission:

Labcorp Genetics (formerly Invitae), Labcorp
Classification: Uncertain significance. Last evaluated: 2021-12-02. Review status: criteria provided, single submitter. Criteria: Invitae Variant Classification Sherloc (09022015). Collection method: clinical testing. Allele origin: germline.
Comment: This sequence change replaces valine with alanine at codon 330 of the VPS11 protein (p.Val330Ala). The valine residue is moderately conserved and there is a small physicochemical difference between valine and alanine. This variant is present in population databases (rs782407551, gnomAD 0.002%). This variant has not been reported in the literature in individuals affected with VPS11-related conditions. Experimental studies and prediction algorithms are not available or were not evaluated, and the functional significance of this variant is currently unknown. In summary, the available evidence is currently insufficient to determine the role of this variant in disease. Therefore, it has been classified as a Variant of Uncertain Significance.